The following is an entry in ClinVar:

NM_019842.4(KCNQ5):c.545C>T (p.Ala182Val)

Gene: KCNQ5 (potassium voltage-gated channel subfamily Q member 5; plus strand). Cytogenetic location: 6q13.
Variant type: single nucleotide variant.
Coding change: c.545C>T on transcript NM_019842.4 (MANE Select); coding-DNA position 545, C replaced by T.
Protein change: p.Ala182Val; replaces alanine 182 with valine.
Molecular consequence: missense variant.
Genome position (GRCh38, 1-based): chr6:73,041,991, C>T. VCF-style: chr6-73041991-C-T. GRCh37 (hg19) VCF-style: chr6-73751714-C-T.
Other names: c.545C>T, p.Ala182Val (NM_001160130.2, NM_001160132.2, NM_001160133.2 and 1 more transcripts); short protein forms A182V.
Identifiers: ClinVar variation 2500718 (VCV002500718.2), dbSNP rs1771729432, ClinGen allele CA364825179.

ClinVar aggregate classification (germline): Likely pathogenic (1 of 4 stars; one submission).

Conditions:
Intellectual developmental disorder, autosomal dominant 46. Also called: MENTAL RETARDATION, AUTOSOMAL DOMINANT 46; Intellectual disability, autosomal dominant 46. Identifiers: MedGen C4539851, MONDO:0030911, OMIM 617601.

Allele frequency attached by ClinVar (database versions not stated): gnomAD exomes below 0.00001; TOPMed below 0.00001.
gnomAD v4.1: 1 of 1,613,808 alleles (0.000062%); highest among the groups gnomAD compares: Non-Finnish European, 0.000085%; no homozygotes.

Submission:

Victorian Clinical Genetics Services, Murdoch Childrens Research Institute
Classification: Likely pathogenic for Intellectual developmental disorder, autosomal dominant 46. Last evaluated: 2021-05-06. Review status: criteria provided, single submitter. Criteria: ACMG Guidelines, 2015. Collection method: clinical testing. Allele origin: germline. Inheritance: Autosomal dominant inheritance. Affected: yes.
Comment: Based on the classification scheme VCGS_Germline_v1.3.4, this variant is classified as Likely Pathogenic. Following criteria are met: 0103 - Loss of function and gain of function are known mechanisms of disease in this gene and are associated with KCNQ5-related neurodevelopmental delay (MIM#617601; PMID: 28669405). (I) 0107 - This gene is associated with autosomal dominant disease. (I) 0200 - Variant is predicted to result in a missense amino acid change from alanine to valine. (I) 0251 - This variant is heterozygous. (I) 0301 - Variant is absent from gnomAD (both v2 and v3). (SP) 0501 - Missense variant consistently predicted to be damaging by multiple in silico tools or highly conserved with a major amino acid change. (SP) 0603 - Missense variant in a region that is highly intolerant to missense variation (high constraint region in DECIPHER). (SP) 0705 - No comparable missense variants have previous evidence for pathogenicity. (I) 0807 - This variant has no previous evidence of pathogenicity. (I) 0905 - No published segregation evidence has been identified for this variant. (I) 1007 - No published functional evidence has been identified for this variant. (SP) Legend: (SP) - Supporting pathogenic, (I) - Information, (SB) - Supporting benign

Literature cited by the submitters: PubMed 28669405.